The following is an entry in ClinVar:

NM_001372.4(DNAH9):c.35C>A (p.Ala12Glu)

Gene: DNAH9 (dynein axonemal heavy chain 9; plus strand). Cytogenetic location: 17p12.
Variant type: single nucleotide variant.
Coding change: c.35C>A on transcript NM_001372.4 (MANE Select); coding-DNA position 35, C replaced by A.
Protein change: p.Ala12Glu; replaces alanine 12 with glutamic acid.
Molecular consequence: missense variant.
Genome position (GRCh38, 1-based): chr17:11,598,533, C>A. VCF-style: chr17-11598533-C-A. GRCh37 (hg19) VCF-style: chr17-11501850-C-A.
Other names: short protein forms A12E.
Identifiers: ClinVar variation 4982039 (VCV004982039.1).

ClinVar aggregate classification (germline): Uncertain significance (1 of 4 stars; one submission).

Conditions:
DNAH9-related disorder. Also called: DNAH9-related condition.

gnomAD v4.1: 18 of 1,400,642 alleles (0.0013%); highest among the groups gnomAD compares: South Asian, 0.027%; no homozygotes.

Submission:

PreventionGenetics, part of Exact Sciences
Classification: Uncertain significance for DNAH9-related condition. Last evaluated: 2025-06-06. Review status: criteria provided, single submitter. Criteria: ACMG Guidelines, 2015. Collection method: clinical testing. Allele origin: germline.
Comment: The DNAH9 c.35C>A variant is predicted to result in the amino acid substitution p.Ala12Glu. To our knowledge, this variant has not been reported in the literature. This variant is reported in 0.038% of alleles in individuals of South Asian descent in gnomAD. At this time, the clinical significance of this variant is uncertain due to the absence of conclusive functional and genetic evidence.